The following is an entry in ClinVar:

ClinVar aggregate classification (germline): Uncertain significance. Review status: criteria provided, multiple submitters, no conflicts (2 of 4 stars). 2 submissions from 2 submitters: Uncertain significance (2). Last evaluated 2022-09-07.

Conditions:
Inborn genetic diseases. Identifiers: MedGen C0950123, MeSH D030342.

Allele frequency attached by ClinVar (database versions not stated): 1000 Genomes Project 30x 0.00016; 1000 Genomes Project 0.00020; ESP Exome Variant Server 0.00025; TOPMed 0.00029; gnomAD 0.00037 and 0.00038.
gnomAD v4.1: 1,022 of 1,594,222 alleles (0.064%); highest among the groups gnomAD compares: Non-Finnish European, 0.079%; no homozygotes.

Submissions (2):

Ambry Genetics
Classification: Uncertain significance for Inborn genetic diseases. Last evaluated: 2022-09-07. Review status: criteria provided, single submitter. Criteria: Ambry Variant Classification Scheme 2023. Collection method: clinical testing. Allele origin: germline.

GeneDx
Classification: Uncertain significance. Last evaluated: 2021-01-07. Review status: criteria provided, single submitter. Criteria: GeneDx Variant Classification Process June 2021. Collection method: clinical testing. Allele origin: germline. Affected: yes.
Comment: In silico analysis supports that this missense variant has a deleterious effect on protein structure/function; Has not been previously published as pathogenic or benign to our knowledge

NM_001085458.2(CTNND1):c.2714C>A (p.Ser905Tyr)

Genes: CTNND1 (catenin delta 1; plus strand), TMX2-CTNND1 (TMX2-CTNND1 readthrough (NMD candidate); plus strand). Cytogenetic location: 11q12.1.
Variant type: single nucleotide variant.
Coding change: c.2714C>A on transcript NM_001085458.2 (MANE Select); coding-DNA position 2714, C replaced by A.
Protein change: p.Ser905Tyr; replaces serine 905 with tyrosine.
Molecular consequence: missense variant. On other transcripts: non-coding transcript variant (1).
Genome position (GRCh38, 1-based): chr11:57,815,406, C>A. VCF-style: chr11-57815406-C-A. GRCh37 (hg19) VCF-style: chr11-57582878-C-A.
Other names: c.2696C>A, p.Ser899Tyr (NM_001085459.2, NM_001085460.2, NM_001085461.2 and 1 more transcripts); c.2411C>A, p.Ser804Tyr (NM_001085463.2, NM_001085466.2); c.2393C>A, p.Ser798Tyr (NM_001085464.2, NM_001085467.2, NM_001085468.2 and 2 more transcripts); c.2330C>A, p.Ser777Tyr (NM_001085465.2); c.2552C>A, p.Ser851Tyr (NM_001206883.2, NM_001206884.2); c.2714C>A, p.Ser905Tyr (NM_001206885.2); c.2534C>A, p.Ser845Tyr (NM_001206886.2, NM_001206888.2, NM_001206889.2 and 1 more transcripts); c.2471C>A, p.Ser824Tyr (NM_001206887.2); and 2 more; short protein forms S777Y, S798Y, S804Y, S824Y, S845Y, S851Y, S878Y, S899Y.
Identifiers: ClinVar variation 1313871 (VCV001313871.4), dbSNP rs200768776, ClinGen allele CA6010763.
Genomic context (GRCh38, chr11:57,815,406, plus strand): 5'-ACTAGAGGGGAATGTCATATTTCTGTGTACTTTTTTTTTTTTAACCAGATAACAACTATT[C>A]CACACCAAATGAGAGAGGAGACCACAATAGAACACTGGATCGATCGGGGGATCTAGGCGA-3'
Protein context (NP_001078927.1, residues 895-915): SNTKSLDNNY[Ser905Tyr]TPNERGDHNR